The following is an entry in ClinVar:

NM_000030.3(AGXT):c.358G>A (p.Gly120Arg)

Gene: AGXT (alanine--glyoxylate aminotransferase; plus strand). Cytogenetic location: 2q37.3.
Variant type: single nucleotide variant.
Coding change: c.358G>A on transcript NM_000030.3 (MANE Select); coding-DNA position 358, G replaced by A.
Protein change: p.Gly120Arg; replaces glycine 120 with arginine.
Molecular consequence: missense variant.
Genome position (GRCh38, 1-based): chr2:240,869,362, G>A. VCF-style: chr2-240869362-G-A. GRCh37 (hg19) VCF-style: chr2-241808779-G-A.
Other names: short protein forms G120R.
Identifiers: ClinVar variation 961691 (VCV000961691.8), dbSNP rs747043550, ClinGen allele CA2209058.
Genomic context (GRCh38, chr2:240,869,362, plus strand): 5'-TTCCTGGTTGGGGCCAATGGCATTTGGGGGCAGCGAGCCGTGGACATCGGGGAGCGCATA[G>A]GTAAGGGAGAGGCCCAGGTGGGGATGGCCCTGGATCCATCCTTCAAGGCCTCCCTGGCCT-3'
Protein context (NP_000021.1, residues 110-130): QRAVDIGERI[Gly120Arg]ARVHPMTKDP

ClinVar aggregate classification (germline): Conflicting classifications of pathogenicity. Review status: criteria provided, conflicting classifications (1 of 4 stars). 3 submissions from 3 submitters: Likely pathogenic (1); Uncertain significance (2). Last evaluated 2023-10-27.

Conditions:
Primary hyperoxaluria, type I (HP1). Also called: Primary hyperoxaluria type 1; GLYCOLIC ACIDURIA; HEPATIC AGT DEFICIENCY; OXALOSIS I. Identifiers: Orphanet 416, Orphanet 93598, MedGen C0268164, MONDO:0009823, OMIM 259900. Disease mechanism: loss of function.

Allele frequency attached by ClinVar (database versions not stated): gnomAD exomes below 0.00001; ExAC 0.00001; TOPMed 0.00002.
gnomAD v4.1: 5 of 1,581,420 alleles (0.00032%); highest among the groups gnomAD compares: African/African-American, 0.0027%; no homozygotes.

Submissions (3):

Rare Kidney Stone Consortium and the Mayo Clinic Hyperoxaluria Center, Mayo Clinic
Classification: Likely pathogenic for Primary hyperoxaluria, type I. Last evaluated: 2023-10-27. Review status: criteria provided, single submitter. Criteria: ACMG Guidelines, 2015. Collection method: clinical testing. Allele origin: germline. Affected: yes.
Comment: ACMG:PM2 PM3 PP3 PP5 PP6

Fulgent Genetics
Classification: Uncertain significance for Primary hyperoxaluria, type I. Last evaluated: 2022-03-22. Review status: criteria provided, single submitter. Criteria: ACMG Guidelines, 2015. Collection method: clinical testing. Allele origin: unknown.

Labcorp Genetics (formerly Invitae), Labcorp
Classification: Uncertain significance. Last evaluated: 2021-08-12. Review status: criteria provided, single submitter. Criteria: Invitae Variant Classification Sherloc (09022015). Collection method: clinical testing. Allele origin: germline.
Comment: This sequence change replaces glycine with arginine at codon 120 of the AGXT protein (p.Gly120Arg). The glycine residue is highly conserved and there is a moderate physicochemical difference between glycine and arginine. This variant also falls at the last nucleotide of exon 2, which is part of the consensus splice site for this exon. This variant is present in population databases (rs747043550, ExAC 0.01%). This missense change has been observed in individual(s) with primary hyperoxaluria (Invitae). Algorithms developed to predict the effect of missense changes on protein structure and function (SIFT, PolyPhen-2, Align-GVGD) all suggest that this variant is likely to be disruptive. Variants that disrupt the consensus splice site are a relatively common cause of aberrant splicing (PMID: 17576681, 9536098). Algorithms developed to predict the effect of sequence changes on RNA splicing suggest that this variant may disrupt the consensus splice site. In summary, the available evidence is currently insufficient to determine the role of this variant in disease. Therefore, it has been classified as a Variant of Uncertain Significance.

Literature cited by the submitters: PubMed 28553045 (cited by Rare Kidney Stone Consortium and the Mayo Clinic Hyperoxaluria Center, Mayo Clinic); PubMed 34805638 (cited by Rare Kidney Stone Consortium and the Mayo Clinic Hyperoxaluria Center, Mayo Clinic); PubMed 17576681 (cited by Labcorp Genetics (formerly Invitae), Labcorp); PubMed 9536098 (cited by Labcorp Genetics (formerly Invitae), Labcorp).